The following is an entry in ClinVar:

NM_005573.4(LMNB1):c.*503A>T

Gene: LMNB1 (lamin B1; plus strand). Cytogenetic location: 5q23.2.
Variant type: single nucleotide variant.
Coding change: c.*503A>T on transcript NM_005573.4 (MANE Select); 503 bases downstream of the stop codon, A replaced by T.
Molecular consequence: 3 prime UTR variant. On other transcripts: non-coding transcript variant (1).
Genome position (GRCh38, 1-based): chr5:126,836,767, A>T. VCF-style: chr5-126836767-A-T. GRCh37 (hg19) VCF-style: chr5-126172459-A-T.
Other names: c.*503A>T (NM_001198557.2).
Identifiers: ClinVar variation 350624 (VCV000350624.5), dbSNP rs181936031, ClinGen allele CA10622361.

ClinVar aggregate classification (germline): Benign (1 of 4 stars; one submission).

Conditions:
Adult-onset autosomal dominant demyelinating leukodystrophy. Identifiers: Orphanet 99027, MedGen C1868512, MONDO:0008215.

Allele frequency attached by ClinVar (database versions not stated): 1000 Genomes Project 0.01937; 1000 Genomes Project 30x 0.02046; gnomAD exomes 0.02057; gnomAD 0.02534 and 0.02624; TOPMed 0.02591.
gnomAD v4.1: 8,920 of 395,560 alleles (2.3%); highest among the groups gnomAD compares: Middle Eastern, 7.3%; 131 homozygotes.

Submission:

Illumina Laboratory Services, Illumina
Classification: Benign for Leukodystrophy, demyelinating, adult-onset, autosomal dominant, typical. Last evaluated: 2018-01-12. Review status: criteria provided, single submitter. Criteria: ICSL Variant Classification Criteria 13 December 2019. Collection method: clinical testing. Allele origin: germline.
Comment: This variant was observed in the ICSL laboratory as part of a predisposition screen in an ostensibly healthy population. It had not been previously curated by ICSL or reported in the Human Gene Mutation Database (HGMD: prior to June 1st, 2018), and was therefore a candidate for classification through an automated scoring system. Utilizing variant allele frequency, disease prevalence and penetrance estimates, and inheritance mode, an automated score was calculated to assess if this variant is too frequent to cause the disease. Based on the score and internal cut-off values, a variant classified as benign is not then subjected to further curation. The score for this variant resulted in a classification of benign for this disease.